The following is an entry in ClinVar:

NM_014215.3(INSRR):c.201C>T (p.Asp67=)

Genes: INSRR (insulin receptor related receptor; minus strand), NTRK1 (neurotrophic receptor tyrosine kinase 1; plus strand). Cytogenetic location: 1q23.1.
Variant type: single nucleotide variant.
Coding change: c.201C>T on transcript NM_014215.3 (MANE Select); coding-DNA position 201, C replaced by T.
Protein change: p.Asp67=; no amino-acid change (aspartic acid 67 retained).
Molecular consequence: synonymous variant. On other transcripts: intron variant (1).
Genome position (GRCh38, 1-based): chr1:156,854,188, G>A on the plus strand (C>T on the coding strand, the complement: INSRR is on the minus strand). VCF-style: chr1-156854188-G-A. GRCh37 (hg19) VCF-style: chr1-156823980-G-A.
Other names: c.123-10166G>A (NM_001007792.1).
Identifiers: ClinVar variation 1879097 (VCV001879097.26), dbSNP rs1364780902, ClinGen allele CA421271316.

ClinVar aggregate classification (germline): Likely benign (1 of 4 stars; one submission).

Allele frequency attached by ClinVar (database versions not stated): gnomAD exomes below 0.00001; gnomAD 0.00001.
gnomAD v4.1: 2 of 1,614,002 alleles (0.00012%); highest among the groups gnomAD compares: East Asian, 0.0022%; no homozygotes.

Submission:

CeGaT Center for Human Genetics Tuebingen
Classification: Likely benign. Last evaluated: 2022-10-01. Review status: criteria provided, single submitter. Criteria: CeGaT Center For Human Genetics Tuebingen Variant Classification Criteria Version 2. Collection method: clinical testing. Allele origin: germline. Affected: yes. Observed: 1 variant allele.
Comment: INSRR: BP4, BP7